The following is an entry in ClinVar:

ClinVar aggregate classification (germline): Likely pathogenic (1 of 4 stars; one submission).

Submission:

GeneDx
Classification: Likely pathogenic. Last evaluated: 2025-03-17. Review status: criteria provided, single submitter. Criteria: GeneDx Variant Classification Process June 2021. Collection method: clinical testing. Allele origin: germline. Affected: yes.
Comment: Has not been previously published as pathogenic or benign to our knowledge; In silico analysis supports that this missense variant has a deleterious effect on protein structure/function; Not observed at significant frequency in large population cohorts (gnomAD)

NM_003718.5(CDK13):c.2570G>C (p.Gly857Ala)

Gene: CDK13 (cyclin dependent kinase 13; plus strand). Cytogenetic location: 7p14.1.
Variant type: single nucleotide variant.
Coding change: c.2570G>C on transcript NM_003718.5 (MANE Select); coding-DNA position 2570, G replaced by C.
Protein change: p.Gly857Ala; replaces glycine 857 with alanine.
Molecular consequence: missense variant.
Genome position (GRCh38, 1-based): chr7:40,047,847, G>C. VCF-style: chr7-40047847-G-C. GRCh37 (hg19) VCF-style: chr7-40087446-G-C.
Other names: c.2570G>C, p.Gly857Ala (NM_031267.4); short protein forms G857A.
Identifiers: ClinVar variation 4086490 (VCV004086490.1).